The following is an entry in ClinVar:

ClinVar aggregate classification (germline): Pathogenic (1 of 4 stars; one submission).

Conditions:
Fetal akinesia deformation sequence 1 (FADS1). Also called: Pena-Shokeir syndrome type I; Fetal akinesia sequence. Identifiers: Orphanet 994, MedGen C1276035, MONDO:0100101, OMIM 208150, HP:0001989.
Congenital myasthenic syndrome 10. Also called: Myasthenia, limb-girdle, familial. Identifiers: Orphanet 590, MedGen C1850792, MONDO:0009690, OMIM 254300.

Submission:

Labcorp Genetics (formerly Invitae), Labcorp
Classification: Pathogenic for Congenital myasthenic syndrome 10; Fetal akinesia deformation sequence 1. Last evaluated: 2023-04-25. Review status: criteria provided, single submitter. Criteria: Invitae Variant Classification Sherloc (09022015). Collection method: clinical testing. Allele origin: germline.
Comment: This sequence change creates a premature translational stop signal (p.Ser225*) in the DOK7 gene. It is expected to result in an absent or disrupted protein product. Loss-of-function variants in DOK7 are known to be pathogenic (PMID: 16794080, 16917026, 18626973, 19261599). This variant is not present in population databases (gnomAD no frequency). This variant has not been reported in the literature in individuals affected with DOK7-related conditions. For these reasons, this variant has been classified as Pathogenic.

Literature cited by the submitters: PubMed 16794080; PubMed 16917026; PubMed 18626973; PubMed 19261599.

NM_173660.5(DOK7):c.674C>A (p.Ser225Ter)

Gene: DOK7 (docking protein 7; plus strand). Cytogenetic location: 4p16.3.
Variant type: single nucleotide variant.
Coding change: c.674C>A on transcript NM_173660.5 (MANE Select); coding-DNA position 674, C replaced by A.
Protein change: p.Ser225Ter; replaces serine 225 with a stop codon.
Molecular consequence: nonsense. On other transcripts: synonymous variant (1), 5 prime UTR variant (1).
Genome position (GRCh38, 1-based): chr4:3,489,698, C>A. VCF-style: chr4-3489698-C-A. GRCh37 (hg19) VCF-style: chr4-3491425-C-A.
Other names: c.663C>A, p.Leu221= (NM_001164673.2); c.-257C>A (NM_001256896.2); c.674C>A, p.Ser225Ter (NM_001301071.2); c.242C>A, p.Ser81Ter (NM_001363811.2); short protein forms S225*, S81*.
Identifiers: ClinVar variation 2947094 (VCV002947094.3), dbSNP rs769699131, ClinGen allele CA356115360.
Genomic context (GRCh38, chr4:3,489,698, plus strand): 5'-GGTGGCCACCTCCTCCACCGAGTCTTCTCTCTGCCACAGACCCAAGTCCCCCGGGACCCT[C>A]GACTGTGGAGGAGCGTGTGGCCCAGGAAGCCCTGGAAACCCTACAGCTGGAGAAGCGGCT-3'